The following is an entry in ClinVar:

NM_002465.4(MYBPC1):c.1114C>G (p.Gln372Glu)

Genes: MYBPC1 (myosin binding protein C1; plus strand), LOC105369937 (uncharacterized LOC105369937; minus strand). Cytogenetic location: 12q23.2.
Variant type: single nucleotide variant.
Coding change: c.1114C>G on transcript NM_002465.4 (MANE Select); coding-DNA position 1114, C replaced by G.
Protein change: p.Gln372Glu; replaces glutamine 372 with glutamic acid.
Molecular consequence: missense variant.
Genome position (GRCh38, 1-based): chr12:101,648,068, C>G. VCF-style: chr12-101648068-C-G. GRCh37 (hg19) VCF-style: chr12-102041846-C-G.
Other names: c.1039C>G, p.Gln347Glu (NM_001254718.3, NM_001254719.3, NM_206820.4 and 1 more transcripts); c.1003C>G, p.Gln335Glu (NM_001254720.3); c.982C>G, p.Gln328Glu (NM_001254721.3, NM_001404676.1, NM_001404678.1); c.961C>G, p.Gln321Glu (NM_001254722.3, NM_001404680.1); c.1000C>G, p.Gln334Glu (NM_001254723.3); c.1114C>G, p.Gln372Glu (NM_001404675.1, NM_206819.4); c.904C>G, p.Gln302Glu (NM_001404677.1, NM_001404679.1, NM_001404681.1); short protein forms Q302E, Q321E, Q328E, Q334E, Q335E, Q347E, Q372E.
Identifiers: ClinVar variation 5038607 (VCV005038607.1).

ClinVar aggregate classification (germline): Uncertain significance (1 of 4 stars; one submission).

gnomAD v4.1: 11 of 1,612,598 alleles (0.00068%); highest among the groups gnomAD compares: Admixed American, 0.0017%; no homozygotes.

Submission:

CeGaT Center for Human Genetics Tuebingen
Classification: Uncertain significance. Last evaluated: 2026-08-01. Review status: criteria provided, single submitter. Criteria: CeGaT Center For Human Genetics Tuebingen Variant Classification Criteria Version 2. Collection method: clinical testing. Allele origin: germline. Affected: yes. Observed: 1 variant allele.
Comment: MYBPC1: PM2, BP4